The following is an entry in ClinVar:

ClinVar aggregate classification (germline): Uncertain significance (1 of 4 stars; one submission).

Conditions:
Renal cell carcinoma. Identifiers: Orphanet 217071, MedGen C0007134, MeSH D002292, MONDO:0005086, HP:0005584.

Submission:

Labcorp Genetics (formerly Invitae), Labcorp
Classification: Uncertain significance for Renal cell carcinoma. Last evaluated: 2023-12-13. Review status: criteria provided, single submitter. Criteria: Invitae Variant Classification Sherloc (09022015). Collection method: clinical testing. Allele origin: germline.
Comment: This sequence change replaces glutamic acid, which is acidic and polar, with aspartic acid, which is acidic and polar, at codon 908 of the MET protein (p.Glu908Asp). This variant is not present in population databases (gnomAD no frequency). This variant has not been reported in the literature in individuals affected with MET-related conditions. Advanced modeling of protein sequence and biophysical properties (such as structural, functional, and spatial information, amino acid conservation, physicochemical variation, residue mobility, and thermodynamic stability) performed at Invitae indicates that this missense variant is not expected to disrupt MET protein function with a negative predictive value of 80%. In summary, the available evidence is currently insufficient to determine the role of this variant in disease. Therefore, it has been classified as a Variant of Uncertain Significance.

NM_000245.4(MET):c.2670A>C (p.Glu890Asp)

Gene: MET (MET proto-oncogene, receptor tyrosine kinase; plus strand). Cytogenetic location: 7q31.2.
Variant type: single nucleotide variant.
Coding change: c.2670A>C on transcript NM_000245.4 (MANE Select); coding-DNA position 2670, A replaced by C.
Protein change: p.Glu890Asp; replaces glutamic acid 890 with aspartic acid.
Molecular consequence: missense variant.
Genome position (GRCh38, 1-based): chr7:116,769,731, A>C. VCF-style: chr7-116769731-A-C. GRCh37 (hg19) VCF-style: chr7-116409785-A-C.
Other names: c.2724A>C, p.Glu908Asp (NM_001127500.3); c.2670A>C, p.Glu890Asp (NM_001324401.3); c.1380A>C, p.Glu460Asp (NM_001324402.2); short protein forms E908D, E890D, E460D.
Identifiers: ClinVar variation 2702785 (VCV002702785.3), dbSNP rs2116983723, ClinGen allele CA368985646.
Genomic context (GRCh38, chr7:116,769,731, plus strand): 5'-TAAAGGTGAAGTGTTAAAAGTTGGAAATAAGAGCTGTGAGAATATACACTTACATTCTGA[A>C]GCCGTTTTATGCACGGTCCCCAATGACCTGCTGAAATTGAACAGCGAGCTAAATATAGAG-3'
Protein context (NP_000236.2, residues 880-900): KSCENIHLHS[Glu890Asp]AVLCTVPNDL